The following is an entry in ClinVar:

ClinVar aggregate classification (germline): Uncertain significance (1 of 4 stars; one submission).

Conditions:
Charcot-Marie-Tooth disease dominant intermediate C (CMTDIC). Also called: CHARCOT-MARIE-TOOTH NEUROPATHY, DOMINANT INTERMEDIATE C. Identifiers: Orphanet 100045, MedGen C1842237, MONDO:0012012, OMIM 608323.

Submission:

Labcorp Genetics (formerly Invitae), Labcorp
Classification: Uncertain significance for Charcot-Marie-Tooth disease dominant intermediate C. Last evaluated: 2024-06-29. Review status: criteria provided, single submitter. Criteria: Invitae Variant Classification Sherloc (09022015). Collection method: clinical testing. Allele origin: germline.
Comment: This sequence change replaces serine, which is neutral and polar, with tyrosine, which is neutral and polar, at codon 518 of the YARS protein (p.Ser518Tyr). This variant is not present in population databases (gnomAD no frequency). This variant has not been reported in the literature in individuals affected with YARS-related conditions. Advanced modeling of protein sequence and biophysical properties (such as structural, functional, and spatial information, amino acid conservation, physicochemical variation, residue mobility, and thermodynamic stability) performed at Invitae indicates that this missense variant is not expected to disrupt YARS protein function with a negative predictive value of 80%. In summary, the available evidence is currently insufficient to determine the role of this variant in disease. Therefore, it has been classified as a Variant of Uncertain Significance.

NM_003680.4(YARS1):c.1553C>A (p.Ser518Tyr)

Gene: YARS1 (tyrosyl-tRNA synthetase 1; minus strand). Cytogenetic location: 1p35.1.
Variant type: single nucleotide variant.
Coding change: c.1553C>A on transcript NM_003680.4 (MANE Select); coding-DNA position 1553, C replaced by A.
Protein change: p.Ser518Tyr; replaces serine 518 with tyrosine.
Molecular consequence: missense variant.
Genome position (GRCh38, 1-based): chr1:32,776,015, G>T on the plus strand (C>A on the coding strand, the complement: YARS1 is on the minus strand). VCF-style: chr1-32776015-G-T. GRCh37 (hg19) VCF-style: chr1-33241616-G-T.
Other names: short protein forms S518Y.
Identifiers: ClinVar variation 3707882 (VCV003707882.2).
Genomic context (GRCh38, chr1:32,776,015, plus strand): 5'-AAGAAGGGGGGAAGATGCTGGGCTGGCTAGCTAATGTTCCCCCCTTTCAGCGATTTACAG[G>T]AAATGGAGCCCAGCTTGGTCATGAAGTTGGTTTGCTTCCACTGTGCGATGCACTCCTCAG-3'
Protein context (NP_003671.1, residues 508-528): TNFMTKLGSI[Ser518Tyr]CKSLKGGNIS